The following is an entry in ClinVar:

ClinVar aggregate classification (germline): Uncertain significance (1 of 4 stars; one submission).

Conditions:
Rubinstein-Taybi syndrome due to EP300 haploinsufficiency. Also called: EP300-Related Rubinstein-Taybi Syndrome; RUBINSTEIN-TAYBI SYNDROME 2. Identifiers: Orphanet 353284, Orphanet 783, MedGen C3150941, MONDO:0013364, OMIM 613684.

gnomAD v4.1: 1 of 1,614,066 alleles (0.000062%); no homozygotes.

Submission:

Labcorp Genetics (formerly Invitae), Labcorp
Classification: Uncertain significance for Rubinstein-Taybi syndrome due to EP300 haploinsufficiency. Last evaluated: 2023-02-13. Review status: criteria provided, single submitter. Criteria: Invitae Variant Classification Sherloc (09022015). Collection method: clinical testing. Allele origin: germline.
Comment: This sequence change replaces aspartic acid, which is acidic and polar, with glutamic acid, which is acidic and polar, at codon 1028 of the EP300 protein (p.Asp1028Glu). This variant is not present in population databases (gnomAD no frequency). This variant has not been reported in the literature in individuals affected with EP300-related conditions. Advanced modeling of protein sequence and biophysical properties (such as structural, functional, and spatial information, amino acid conservation, physicochemical variation, residue mobility, and thermodynamic stability) performed at Invitae indicates that this missense variant is not expected to disrupt EP300 protein function. In summary, the available evidence is currently insufficient to determine the role of this variant in disease. Therefore, it has been classified as a Variant of Uncertain Significance.

NM_001429.4(EP300):c.3084C>A (p.Asp1028Glu)

Genes: EP300 (EP300 lysine acetyltransferase; plus strand), LOC126863158 (BRD4-independent group 4 enhancer GRCh37_chr22:41547383-41548582; plus strand). Cytogenetic location: 22q13.2.
Variant type: single nucleotide variant.
Coding change: c.3084C>A on transcript NM_001429.4 (MANE Select); coding-DNA position 3084, C replaced by A.
Protein change: p.Asp1028Glu; replaces aspartic acid 1028 with glutamic acid.
Molecular consequence: missense variant.
Genome position (GRCh38, 1-based): chr22:41,152,292, C>A. VCF-style: chr22-41152292-C-A. GRCh37 (hg19) VCF-style: chr22-41548296-C-A.
Other names: c.3006C>A, p.Asp1002Glu (NM_001362843.2); short protein forms D1002E, D1028E.
Identifiers: ClinVar variation 2836668 (VCV002836668.3), dbSNP rs746999540, ClinGen allele CA411693356.